The following is an entry in ClinVar:

NM_000301.5(PLG):c.1959A>G (p.Glu653=)

Gene: PLG (plasminogen; plus strand). Cytogenetic location: 6q26.
Variant type: single nucleotide variant.
Coding change: c.1959A>G on transcript NM_000301.5 (MANE Select); coding-DNA position 1959, A replaced by G.
Protein change: p.Glu653=; no amino-acid change (glutamic acid 653 retained).
Molecular consequence: synonymous variant.
Genome position (GRCh38, 1-based): chr6:160,739,149, A>G. VCF-style: chr6-160739149-A-G. GRCh37 (hg19) VCF-style: chr6-161160181-A-G.
Identifiers: ClinVar variation 716757 (VCV000716757.34), dbSNP rs761856716, ClinGen allele CA4087938.

ClinVar aggregate classification (germline): Likely benign. Review status: criteria provided, multiple submitters, no conflicts (2 of 4 stars). 5 submissions from 5 submitters: Likely benign (4). 1 of the submissions does not count toward it. Last evaluated 2025-11-27.

Conditions:
PLG-related disorder. Also called: PLG-related condition.

Allele frequency attached by ClinVar (database versions not stated): ExAC 0.00011; gnomAD 0.00011 and 0.00012; TOPMed 0.00011; gnomAD exomes 0.00016.
gnomAD v4.1: 262 of 1,614,172 alleles (0.016%); highest among the groups gnomAD compares: Middle Eastern, 0.87%; 4 homozygotes.

Submissions (6):

Labcorp Genetics (formerly Invitae), Labcorp
Classification: Likely benign. Last evaluated: 2025-11-27. Review status: criteria provided, single submitter. Criteria: Invitae Variant Classification Sherloc (09022015). Collection method: clinical testing. Allele origin: germline.

Blueprint Genetics
Classification: Likely benign. Last evaluated: 2024-09-26. Review status: criteria provided, single submitter. Criteria: ACMG Guidelines, 2015. Collection method: clinical testing. Allele origin: germline.

CeGaT Center for Human Genetics Tuebingen
Classification: Likely benign. Last evaluated: 2023-01-01. Review status: criteria provided, single submitter. Criteria: CeGaT Center For Human Genetics Tuebingen Variant Classification Criteria Version 2. Collection method: clinical testing. Allele origin: germline. Affected: yes. Observed: 1 variant allele.
Comment: PLG: BP4, BP7

Breakthrough Genomics
Classification: Likely benign. Review status: criteria provided, single submitter. Criteria: ACMG Guidelines, 2015. Collection method: not provided. Allele origin: germline. Inheritance: Autosomal recessive inheritance. Affected: yes.

PreventionGenetics, part of Exact Sciences
Classification: Likely benign for PLG-related condition. Last evaluated: 2024-07-23. Review status: no assertion criteria provided. Collection method: clinical testing. Allele origin: germline. Not counted in ClinVar's aggregate classification.
Comment: This variant is classified as likely benign based on ACMG/AMP sequence variant interpretation guidelines (Richards et al. 2015 PMID: 25741868, with internal and published modifications).

Dr. Peter K. Rogan Lab, Western University
No classification provided (evidence only). Condition: Malignant tumor of urinary bladder. Review status: no classification provided. Collection method: in vitro. Allele origin: not applicable. Functional consequence: retained intron. Not counted in ClinVar's aggregate classification.